The following is an entry in ClinVar:

ClinVar aggregate classification (germline): Conflicting classifications of pathogenicity. Review status: criteria provided, conflicting classifications (1 of 4 stars). 3 submissions from 3 submitters: Uncertain significance (2); Likely benign (1). Last evaluated 2025-09-07.

Conditions:
Cardiovascular phenotype. Identifiers: MedGen CN230736.
Hereditary cancer-predisposing syndrome. Also called: Hereditary neoplastic syndrome; Neoplastic Syndromes, Hereditary; Tumor predisposition; Hereditary Cancer Syndrome. Identifiers: Orphanet 140162, MedGen C0027672, MeSH D009386, MONDO:0015356.
Neurofibromatosis, type 1 (NF1). Also called: VON RECKLINGHAUSEN DISEASE; Peripheral type neurofibromatosis; NEUROFIBROMATOSIS, TYPE I, SOMATIC; Neurofibromatosis, type I. Identifiers: Orphanet 636, MedGen C0027831, MONDO:0018975, OMIM 162200. Disease mechanism: loss of function.

Submissions (3):

Ambry Genetics
Classification: Likely benign for Cardiovascular phenotype; Hereditary cancer-predisposing syndrome. Last evaluated: 2025-09-07. Review status: criteria provided, single submitter. Criteria: Ambry Variant Classification Scheme 2023. Collection method: clinical testing. Allele origin: germline.

Labcorp Genetics (formerly Invitae), Labcorp
Classification: Uncertain significance for Neurofibromatosis, type 1. Last evaluated: 2024-04-08. Review status: criteria provided, single submitter. Criteria: Invitae Variant Classification Sherloc (09022015). Collection method: clinical testing. Allele origin: germline.
Comment: This sequence change falls in intron 33 of the NF1 gene. It does not directly change the encoded amino acid sequence of the NF1 protein. It affects a nucleotide within the consensus splice site. This variant is not present in population databases (gnomAD no frequency). This variant has not been reported in the literature in individuals affected with NF1-related conditions. ClinVar contains an entry for this variant (Variation ID: 481945). Variants that disrupt the consensus splice site are a relatively common cause of aberrant splicing (PMID: 17576681, 9536098). Algorithms developed to predict the effect of sequence changes on RNA splicing suggest that this variant is not likely to affect RNA splicing. In summary, the available evidence is currently insufficient to determine the role of this variant in disease. Therefore, it has been classified as a Variant of Uncertain Significance.

Genome-Nilou Lab
Classification: Uncertain significance for Neurofibromatosis, type 1. Last evaluated: 2022-03-15. Review status: criteria provided, single submitter. Criteria: ACMG Guidelines, 2015. Collection method: clinical testing. Allele origin: germline. Affected: no.

Literature cited by the submitters: PubMed 17576681 (cited by Labcorp Genetics (formerly Invitae), Labcorp); PubMed 9536098 (cited by Labcorp Genetics (formerly Invitae), Labcorp).

NM_001042492.3(NF1):c.4577+4A>G

Gene: NF1 (neurofibromin 1; plus strand). Cytogenetic location: 17q11.2.
Variant type: single nucleotide variant.
Coding change: c.4577+4A>G on transcript NM_001042492.3 (MANE Select); 4 bases into the intron after coding-DNA position 4577, A replaced by G.
Molecular consequence: intron variant.
Genome position (GRCh38, 1-based): chr17:31,260,519, A>G. VCF-style: chr17-31260519-A-G. GRCh37 (hg19) VCF-style: chr17-29587537-A-G.
Other names: c.4514+4A>G (NM_000267.4).
Identifiers: ClinVar variation 481945 (VCV000481945.13), dbSNP rs1555618863, ClinGen allele CA658658583.
Genomic context (GRCh38, chr17:31,260,519, plus strand): 5'-ACATCGTCTACTCTGGAACAATCAGGAGAAAATTGGGCAGTATCTTTCCAGCAACAGGTA[A>G]GATTTCCCAGTCATGGGGATAGTGAACACTCTCCGTTTAAATTTAGATTAATACAATTAT-3'